The following is an entry in ClinVar:

NM_206937.2(LIG4):c.712A>G (p.Ile238Val)

Gene: LIG4 (DNA ligase 4; minus strand). Cytogenetic location: 13q33.3.
Variant type: single nucleotide variant.
Coding change: c.712A>G on transcript NM_206937.2 (MANE Select); coding-DNA position 712, A replaced by G.
Protein change: p.Ile238Val; replaces isoleucine 238 with valine.
Molecular consequence: missense variant.
Genome position (GRCh38, 1-based): chr13:108,210,557, T>C on the plus strand (A>G on the coding strand, the complement: LIG4 is on the minus strand). VCF-style: chr13-108210557-T-C. GRCh37 (hg19) VCF-style: chr13-108862905-T-C.
Other names: c.712A>G, p.Ile238Val (NM_001098268.2, NM_001352598.2, NM_001352599.2 and 6 more transcripts); c.511A>G, p.Ile171Val (NM_001330595.2); c.748A>G, p.Ile250Val (NM_001352604.2); short protein forms I238V, I250V, I171V.
Identifiers: ClinVar variation 665611 (VCV000665611.15), dbSNP rs149012859, ClinGen allele CA7043808.

ClinVar aggregate classification (germline): Conflicting classifications of pathogenicity. Review status: criteria provided, conflicting classifications (1 of 4 stars). 5 submissions from 5 submitters: Uncertain significance (4); Likely benign (1). Last evaluated 2026-01-26.

Conditions:
DNA ligase IV deficiency. Identifiers: Orphanet 99812, MedGen C1847827, MONDO:0011686, OMIM 606593.
Multiple myeloma (MM). Also called: Plasma cell myeloma; Multiple myeloma, somatic. Identifiers: Orphanet 29073, Orphanet 85443, MedGen C0026764, MeSH D009101, MONDO:0009693, OMIM 254500, HP:0006775.

Allele frequency attached by ClinVar (database versions not stated): gnomAD exomes 0.00006; ESP Exome Variant Server 0.00008; 1000 Genomes Project 30x 0.00016; gnomAD 0.00019; TOPMed 0.00029.
gnomAD v4.1: 127 of 1,612,794 alleles (0.0079%); highest among the groups gnomAD compares: Middle Eastern, 0.13%; no homozygotes.

Submissions (5):

Labcorp Genetics (formerly Invitae), Labcorp
Classification: Likely benign for DNA ligase IV deficiency. Last evaluated: 2026-01-26. Review status: criteria provided, single submitter. Criteria: Invitae Variant Classification Sherloc (09022015). Collection method: clinical testing. Allele origin: germline.

Blueprint Genetics
Classification: Uncertain significance. Last evaluated: 2024-11-26. Review status: criteria provided, single submitter. Criteria: ACMG Guidelines, 2015. Collection method: clinical testing. Allele origin: germline.

New York Genome Center
Classification: Uncertain significance for DNA ligase IV deficiency. Last evaluated: 2021-03-27. Review status: criteria provided, single submitter. Criteria: NYGC Assertion Criteria 2020. Collection method: clinical testing. Allele origin: germline. Observed: 1 heterozygote. Study: CSER-NYCKidSeq.

Revvity Omics, Revvity
Classification: Uncertain significance for DNA ligase IV deficiency. Last evaluated: 2020-08-04. Review status: criteria provided, single submitter. Criteria: ACMG Guidelines, 2015. Collection method: clinical testing. Allele origin: germline.

Center for Genomics, Ann and Robert H. Lurie Children's Hospital of Chicago
Classification: Uncertain significance for DNA ligase IV deficiency; Multiple myeloma. Review status: criteria provided, single submitter. Criteria: ACMG Guidelines, 2015. Collection method: clinical testing. Allele origin: germline.
Comment: LIG4 NM_002312.3 exon 2 p.Ile238Val (c.712A>G): This variant has not been reported in the literature but is present in 0.04% (10/24894) of African alleles in the Genome Aggregation Database. This variant amino acid Valine (Val) is present in >30 species; this suggests that this variant may not impact the protein. Additional computational prediction tools do not suggest an impact. In summary, data on this variant is insufficient for disease classification. Therefore, the clinical significance of this variant is uncertain.